The following is an entry in ClinVar:

NM_000535.7(PMS2):c.1376C>T (p.Ser459Leu)

Gene: PMS2 (PMS1 homolog 2, mismatch repair system component; minus strand). Cytogenetic location: 7p22.1.
Variant type: single nucleotide variant.
Coding change: c.1376C>T on transcript NM_000535.7 (MANE Select); coding-DNA position 1376, C replaced by T.
Protein change: p.Ser459Leu; replaces serine 459 with leucine.
Molecular consequence: missense variant. On other transcripts: non-coding transcript variant (1).
Genome position (GRCh38, 1-based): chr7:5,987,389, G>A on the plus strand (C>T on the coding strand, the complement: PMS2 is on the minus strand). VCF-style: chr7-5987389-G-A. GRCh37 (hg19) VCF-style: chr7-6027020-G-A.
Other names: c.971C>T, p.Ser324Leu (NM_001322003.2, NM_001322004.2, NM_001322005.2 and 1 more transcripts); c.1220C>T, p.Ser407Leu (NM_001322006.2); c.1058C>T, p.Ser353Leu (NM_001322007.2, NM_001322008.2); c.815C>T, p.Ser272Leu (NM_001322010.2); c.443C>T, p.Ser148Leu (NM_001322011.2, NM_001322012.2); c.803C>T, p.Ser268Leu (NM_001322013.2); c.1376C>T, p.Ser459Leu (NM_001322014.2); c.1067C>T, p.Ser356Leu (NM_001322015.2); short protein forms S148L, S356L, S268L, S272L, S459L, S324L, S353L, S407L.
Identifiers: ClinVar variation 844555 (VCV000844555.15), dbSNP rs587780724, ClinGen allele CA366742197.

ClinVar aggregate classification (germline): Uncertain significance. Review status: criteria provided, multiple submitters, no conflicts (2 of 4 stars). 3 submissions from 3 submitters: Uncertain significance (3). Last evaluated 2023-05-10.

Conditions:
Hereditary cancer-predisposing syndrome. Also called: Tumor predisposition; Hereditary neoplastic syndrome; Neoplastic Syndromes, Hereditary; Hereditary Cancer Syndrome. Identifiers: Orphanet 140162, MedGen C0027672, MeSH D009386, MONDO:0015356.
Hereditary nonpolyposis colorectal neoplasms. Identifiers: MedGen C0009405, MeSH D003123.

Submissions (3):

GeneDx
Classification: Uncertain significance. Last evaluated: 2023-05-10. Review status: criteria provided, single submitter. Criteria: GeneDx Variant Classification Process June 2021. Collection method: clinical testing. Allele origin: germline. Affected: yes.
Comment: Not observed at significant frequency in large population cohorts (gnomAD); In silico analysis supports that this missense variant does not alter protein structure/function; Has not been previously published as pathogenic or benign to our knowledge

Ambry Genetics
Classification: Uncertain significance for Hereditary cancer-predisposing syndrome. Last evaluated: 2023-03-26. Review status: criteria provided, single submitter. Criteria: Ambry Variant Classification Scheme 2023. Collection method: clinical testing. Allele origin: germline.
Comment: The p.S459L variant (also known as c.1376C>T), located in coding exon 11 of the PMS2 gene, results from a C to T substitution at nucleotide position 1376. The serine at codon 459 is replaced by leucine, an amino acid with dissimilar properties. This amino acid position is poorly conserved in available vertebrate species. In addition, this alteration is predicted to be tolerated by in silico analysis. Since supporting evidence is limited at this time, the clinical significance of this alteration remains unclear.

Labcorp Genetics (formerly Invitae), Labcorp
Classification: Uncertain significance for Hereditary nonpolyposis colorectal neoplasms. Last evaluated: 2022-09-01. Review status: criteria provided, single submitter. Criteria: Invitae Variant Classification Sherloc (09022015). Collection method: clinical testing. Allele origin: germline.
Comment: In summary, the available evidence is currently insufficient to determine the role of this variant in disease. Therefore, it has been classified as a Variant of Uncertain Significance. Advanced modeling of protein sequence and biophysical properties (such as structural, functional, and spatial information, amino acid conservation, physicochemical variation, residue mobility, and thermodynamic stability) performed at Invitae indicates that this missense variant is not expected to disrupt PMS2 protein function. ClinVar contains an entry for this variant (Variation ID: 844555). This variant has not been reported in the literature in individuals affected with PMS2-related conditions. This variant is not present in population databases (gnomAD no frequency). This sequence change replaces serine, which is neutral and polar, with leucine, which is neutral and non-polar, at codon 459 of the PMS2 protein (p.Ser459Leu).